The following is an entry in ClinVar:

NM_032802.4(SPPL2A):c.1447C>T (p.Arg483Cys)

Gene: SPPL2A (signal peptide peptidase like 2A; minus strand). Cytogenetic location: 15q21.2.
Variant type: single nucleotide variant.
Coding change: c.1447C>T on transcript NM_032802.4 (MANE Select); coding-DNA position 1447, C replaced by T.
Protein change: p.Arg483Cys; replaces arginine 483 with cysteine.
Molecular consequence: missense variant.
Genome position (GRCh38, 1-based): chr15:50,719,981, G>A on the plus strand (C>T on the coding strand, the complement: SPPL2A is on the minus strand). VCF-style: chr15-50719981-G-A. GRCh37 (hg19) VCF-style: chr15-51012178-G-A.
Other names: short protein forms R483C.
Identifiers: ClinVar variation 2966325 (VCV002966325.3), dbSNP rs748291215, ClinGen allele CA7558189.

ClinVar aggregate classification (germline): Uncertain significance (1 of 4 stars; one submission).

Allele frequency attached by ClinVar (database versions not stated): ExAC 0.00001; gnomAD 0.00001; TOPMed 0.00002.
gnomAD v4.1: 48 of 1,613,186 alleles (0.003%); highest among the groups gnomAD compares: Middle Eastern, 0.016%; no homozygotes.

Submission:

Labcorp Genetics (formerly Invitae), Labcorp
Classification: Uncertain significance. Last evaluated: 2025-07-21. Review status: criteria provided, single submitter. Criteria: Invitae Variant Classification Sherloc (09022015). Collection method: clinical testing. Allele origin: germline.
Comment: This sequence change replaces arginine, which is basic and polar, with cysteine, which is neutral and slightly polar, at codon 483 of the SPPL2A protein (p.Arg483Cys). This variant is present in population databases (rs748291215, gnomAD 0.02%). This variant has not been reported in the literature in individuals affected with SPPL2A-related conditions. ClinVar contains an entry for this variant (Variation ID: 2966325). An algorithm developed to predict the effect of missense changes on protein structure and function (PolyPhen-2) suggests that this variant is likely to be disruptive. In summary, the available evidence is currently insufficient to determine the role of this variant in disease. Therefore, it has been classified as a Variant of Uncertain Significance.